The following is an entry in ClinVar:

ClinVar aggregate classification (germline): Uncertain significance (1 of 4 stars; one submission).

Submission:

GeneDx
Classification: Uncertain significance. Last evaluated: 2024-10-15. Review status: criteria provided, single submitter. Criteria: GeneDx Variant Classification Process June 2021. Collection method: clinical testing. Allele origin: germline. Affected: yes.
Comment: Not observed at significant frequency in large population cohorts (gnomAD); In silico analysis supports that this missense variant has a deleterious effect on protein structure/function; Has not been previously published as pathogenic or benign to our knowledge

NM_170606.3(KMT2C):c.3296T>C (p.Leu1099Pro)

Gene: KMT2C (lysine methyltransferase 2C; minus strand). Cytogenetic location: 7q36.1.
Variant type: single nucleotide variant.
Coding change: c.3296T>C on transcript NM_170606.3 (MANE Select); coding-DNA position 3296, T replaced by C.
Protein change: p.Leu1099Pro; replaces leucine 1099 with proline.
Molecular consequence: missense variant.
Genome position (GRCh38, 1-based): chr7:152,224,042, A>G on the plus strand (T>C on the coding strand, the complement: KMT2C is on the minus strand). VCF-style: chr7-152224042-A-G. GRCh37 (hg19) VCF-style: chr7-151921127-A-G.
Other names: short protein forms L1099P.
Identifiers: ClinVar variation 3781148 (VCV003781148.1).